The following is an entry in ClinVar:

ClinVar aggregate classification (germline): Uncertain significance (1 of 4 stars; one submission).

Conditions:
Inborn genetic diseases. Identifiers: MedGen C0950123, MeSH D030342.

gnomAD v4.1: 1 of 1,613,246 alleles (0.000062%); highest among the groups gnomAD compares: Middle Eastern, 0.017%; no homozygotes.

Submission:

Ambry Genetics
Classification: Uncertain significance for Inborn genetic diseases. Last evaluated: 2024-07-29. Review status: criteria provided, single submitter. Criteria: Ambry Variant Classification Scheme 2023. Collection method: clinical testing. Allele origin: germline.
Comment: The p.K529N variant (also known as c.1587G>C), located in coding exon 14 of the LRRK2 gene, results from a G to C substitution at nucleotide position 1587. The lysine at codon 529 is replaced by asparagine, an amino acid with similar properties. This amino acid position is conserved. In addition, this alteration is predicted to be tolerated by in silico analysis. Based on the available evidence, the clinical significance of this variant remains unclear.

NM_198578.4(LRRK2):c.1587G>C (p.Lys529Asn)

Gene: LRRK2 (leucine rich repeat kinase 2; plus strand). Cytogenetic location: 12q12.
Variant type: single nucleotide variant.
Coding change: c.1587G>C on transcript NM_198578.4 (MANE Select); coding-DNA position 1587, G replaced by C.
Protein change: p.Lys529Asn; replaces lysine 529 with asparagine.
Molecular consequence: missense variant.
Genome position (GRCh38, 1-based): chr12:40,263,832, G>C. VCF-style: chr12-40263832-G-C. GRCh37 (hg19) VCF-style: chr12-40657634-G-C.
Other names: short protein forms K529N.
Identifiers: ClinVar variation 3540595 (VCV003540595.1).
Genomic context (GRCh38, chr12:40,263,832, plus strand): 5'-TTTATCTGTGCATTTAGGCATGCCAGAAGAATCCAGGGAGGATACAGAATTTCATCATAA[G>C]CTAAATATGGTTAAAAAACAGTGTTTCAAGAATGATATTCACAAACTGGTCCTAGCAGCT-3'
Protein context (NP_940980.4, residues 519-539): ESREDTEFHH[Lys529Asn]LNMVKKQCFK